The following is an entry in ClinVar:

NM_004177.5(STX3):c.544A>G (p.Ile182Val)

Gene: STX3 (syntaxin 3; plus strand). Cytogenetic location: 11q12.1.
Variant type: single nucleotide variant.
Coding change: c.544A>G on transcript NM_004177.5 (MANE Select); coding-DNA position 544, A replaced by G.
Protein change: p.Ile182Val; replaces isoleucine 182 with valine.
Molecular consequence: missense variant.
Genome position (GRCh38, 1-based): chr11:59,793,383, A>G. VCF-style: chr11-59793383-A-G. GRCh37 (hg19) VCF-style: chr11-59560856-A-G.
Other names: c.544A>G, p.Ile182Val (NM_001178040.3); short protein forms I182V.
Identifiers: ClinVar variation 1957783 (VCV001957783.5), dbSNP rs778822831, ClinGen allele CA6020933.

ClinVar aggregate classification (germline): Uncertain significance (1 of 4 stars; one submission).

Allele frequency attached by ClinVar (database versions not stated): gnomAD 0.00001; TOPMed 0.00001.
gnomAD v4.1: 7 of 1,613,580 alleles (0.00043%); highest among the groups gnomAD compares: Non-Finnish European, 0.00051%; no homozygotes.

Submission:

Labcorp Genetics (formerly Invitae), Labcorp
Classification: Uncertain significance. Last evaluated: 2022-02-21. Review status: criteria provided, single submitter. Criteria: Invitae Variant Classification Sherloc (09022015). Collection method: clinical testing. Allele origin: germline.
Comment: In summary, the available evidence is currently insufficient to determine the role of this variant in disease. Therefore, it has been classified as a Variant of Uncertain Significance. Algorithms developed to predict the effect of missense changes on protein structure and function (SIFT, PolyPhen-2, Align-GVGD) all suggest that this variant is likely to be tolerated. This variant has not been reported in the literature in individuals affected with STX3-related conditions. This variant is present in population databases (rs778822831, gnomAD 0.002%). This sequence change replaces isoleucine, which is neutral and non-polar, with valine, which is neutral and non-polar, at codon 182 of the STX3 protein (p.Ile182Val).